The following is an entry in ClinVar:

ClinVar aggregate classification (germline): Uncertain significance (1 of 4 stars; one submission).

Conditions:
Cystic fibrosis (CF). Also called: MUCOVISCIDOSIS. Identifiers: Orphanet 586, MedGen C0010674, MONDO:0009061, OMIM 219700. Disease mechanism: loss of function.

Allele frequency attached by ClinVar (database versions not stated): gnomAD exomes below 0.00001.
gnomAD v4.1: 6 of 1,614,154 alleles (0.00037%); highest among the groups gnomAD compares: Non-Finnish European, 0.00042%; no homozygotes.

Submission:

Ambry Genetics
Classification: Uncertain significance for Cystic fibrosis. Last evaluated: 2021-09-19. Review status: criteria provided, single submitter. Criteria: Ambry Variant Classification Scheme 2023. Collection method: clinical testing. Allele origin: germline.
Comment: The p.F224L variant (also known as c.670T>C), located in coding exon 6 of the CFTR gene, results from a T to C substitution at nucleotide position 670. The phenylalanine at codon 224 is replaced by leucine, an amino acid with highly similar properties. This amino acid position is conserved. In addition, the in silico prediction for this alteration is inconclusive. Since supporting evidence is limited at this time, the clinical significance of this alteration remains unclear.

NM_000492.4(CFTR):c.670T>C (p.Phe224Leu)

Gene: CFTR (CF transmembrane conductance regulator; plus strand). Cytogenetic location: 7q31.2.
Variant type: single nucleotide variant.
Coding change: c.670T>C on transcript NM_000492.4 (MANE Select); coding-DNA position 670, T replaced by C.
Protein change: p.Phe224Leu; replaces phenylalanine 224 with leucine.
Molecular consequence: missense variant.
Genome position (GRCh38, 1-based): chr7:117,535,338, T>C. VCF-style: chr7-117535338-T-C. GRCh37 (hg19) VCF-style: chr7-117175392-T-C.
Other names: short protein forms F224L.
Identifiers: ClinVar variation 1755047 (VCV001755047.2), dbSNP rs1798933675, ClinGen allele CA368977005.